The following is an entry in ClinVar:

NM_000245.4(MET):c.718G>A (p.Glu240Lys)

Gene: MET (MET proto-oncogene, receptor tyrosine kinase; plus strand). Cytogenetic location: 7q31.2.
Variant type: single nucleotide variant.
Coding change: c.718G>A on transcript NM_000245.4 (MANE Select); coding-DNA position 718, G replaced by A.
Protein change: p.Glu240Lys; replaces glutamic acid 240 with lysine.
Molecular consequence: missense variant. On other transcripts: intron variant (1).
Genome position (GRCh38, 1-based): chr7:116,699,802, G>A. VCF-style: chr7-116699802-G-A. GRCh37 (hg19) VCF-style: chr7-116339856-G-A.
Other names: c.718G>A, p.Glu240Lys (NM_001127500.3, NM_001324401.3); c.-91+27225G>A (NM_001324402.2); short protein forms E240K.
Identifiers: ClinVar variation 3666282 (VCV003666282.2).

ClinVar aggregate classification (germline): Uncertain significance (1 of 4 stars; one submission).

Conditions:
Renal cell carcinoma. Identifiers: Orphanet 217071, MedGen C0007134, MeSH D002292, MONDO:0005086, HP:0005584.

gnomAD v4.1: 2 of 1,614,060 alleles (0.00012%); highest among the groups gnomAD compares: East Asian, 0.0022%; no homozygotes.

Submission:

Labcorp Genetics (formerly Invitae), Labcorp
Classification: Uncertain significance for Renal cell carcinoma. Last evaluated: 2024-09-17. Review status: criteria provided, single submitter. Criteria: Invitae Variant Classification Sherloc (09022015). Collection method: clinical testing. Allele origin: germline.
Comment: This sequence change replaces glutamic acid, which is acidic and polar, with lysine, which is basic and polar, at codon 240 of the MET protein (p.Glu240Lys). This variant is not present in population databases (gnomAD no frequency). This variant has not been reported in the literature in individuals affected with MET-related conditions. Invitae Evidence Modeling of protein sequence and biophysical properties (such as structural, functional, and spatial information, amino acid conservation, physicochemical variation, residue mobility, and thermodynamic stability) indicates that this missense variant is not expected to disrupt MET protein function with a negative predictive value of 80%. In summary, the available evidence is currently insufficient to determine the role of this variant in disease. Therefore, it has been classified as a Variant of Uncertain Significance.